The following is an entry in ClinVar:

NM_001371986.1(UNC80):c.3854G>A (p.Arg1285Gln)

Gene: UNC80 (unc-80 subunit of NALCN channel complex; plus strand). Cytogenetic location: 2q34.
Variant type: single nucleotide variant.
Coding change: c.3854G>A on transcript NM_001371986.1 (MANE Select); coding-DNA position 3854, G replaced by A.
Protein change: p.Arg1285Gln; replaces arginine 1285 with glutamine.
Molecular consequence: missense variant.
Genome position (GRCh38, 1-based): chr2:209,877,967, G>A. VCF-style: chr2-209877967-G-A. GRCh37 (hg19) VCF-style: chr2-210742691-G-A.
Other names: c.3860G>A, p.Arg1287Gln (NM_032504.2); c.3845G>A, p.Arg1282Gln (NM_182587.4); short protein forms R1282Q, R1285Q, R1287Q.
Identifiers: ClinVar variation 2415888 (VCV002415888.6), dbSNP rs1045178683, ClinGen allele CA65035933.
Genomic context (GRCh38, chr2:209,877,967, plus strand): 5'-AGTTTGACTTAGTTTGTGCTGTTTCATTGTTTTCCTTCCCATTTTAGGCAATTGGCGTCC[G>A]ATTGAATGAGCTGTGCCACGGGGAAAGTGAGAGCCCAGCCAACCTGCTGGGTCTCATTTA-3'
Protein context (NP_001358915.1, residues 1275-1295): FYQWGDAIGV[Arg1285Gln]LNELCHGESE

ClinVar aggregate classification (germline): Uncertain significance (1 of 4 stars; one submission).

Allele frequency attached by ClinVar (database versions not stated): gnomAD exomes below 0.00001.
gnomAD v4.1: 4 of 1,530,212 alleles (0.00026%); highest among the groups gnomAD compares: South Asian, 0.0012%; no homozygotes.

Submission:

Labcorp Genetics (formerly Invitae), Labcorp
Classification: Uncertain significance. Last evaluated: 2024-01-29. Review status: criteria provided, single submitter. Criteria: Invitae Variant Classification Sherloc (09022015). Collection method: clinical testing. Allele origin: germline.
Comment: This sequence change replaces arginine, which is basic and polar, with glutamine, which is neutral and polar, at codon 1287 of the UNC80 protein (p.Arg1287Gln). The frequency data for this variant in the population databases is considered unreliable, as metrics indicate poor data quality at this position in the gnomAD database. This variant has not been reported in the literature in individuals affected with UNC80-related conditions. ClinVar contains an entry for this variant (Variation ID: 2415888). An algorithm developed to predict the effect of missense changes on protein structure and function (PolyPhen-2) suggests that this variant is likely to be disruptive. In summary, the available evidence is currently insufficient to determine the role of this variant in disease. Therefore, it has been classified as a Variant of Uncertain Significance.